The following is an entry in ClinVar:

NM_000138.5(FBN1):c.4610A>G (p.Asp1537Gly)

Gene: FBN1 (fibrillin 1; minus strand). Cytogenetic location: 15q21.1.
Variant type: single nucleotide variant.
Coding change: c.4610A>G on transcript NM_000138.5 (MANE Select); coding-DNA position 4610, A replaced by G.
Protein change: p.Asp1537Gly; replaces aspartic acid 1537 with glycine.
Molecular consequence: missense variant.
Genome position (GRCh38, 1-based): chr15:48,468,075, T>C on the plus strand (A>G on the coding strand, the complement: FBN1 is on the minus strand). VCF-style: chr15-48468075-T-C. GRCh37 (hg19) VCF-style: chr15-48760272-T-C.
Other names: c.4610A>G, p.Asp1537Gly (NM_001406716.1); short protein forms D1537G.
Identifiers: ClinVar variation 4088053 (VCV004088053.1).
Genomic context (GRCh38, chr15:48,468,075, plus strand): 5'-ACACCAACTCCAATTTCATTGCTGCAGGCTGTATCTCCATTGTCTCCTCGAGGTCGAATA[T>C]CCAAATAGCAATTTCCAGAGCGGGTATCTATTTACCATATACAAACACAAAAGCATCAGG-3'
Protein context (NP_000129.3, residues 1527-1547): VDTRSGNCYL[Asp1537Gly]IRPRGDNGDT

ClinVar aggregate classification (germline): Uncertain significance (1 of 4 stars; one submission).

Submission:

GeneDx
Classification: Uncertain significance. Last evaluated: 2025-03-27. Review status: criteria provided, single submitter. Criteria: GeneDx Variant Classification Process June 2021. Collection method: clinical testing. Allele origin: germline. Affected: yes.
Comment: Not observed at significant frequency in large population cohorts (gnomAD); In silico analysis supports that this missense variant has a deleterious effect on protein structure/function; Has not been previously published as pathogenic or benign to our knowledge; Does not affect a cysteine or calcium-binding residue within an EGF-like domain or a TGF-binding protein domain of the FBN1 gene; cysteine substitutions in the EGF-like domains represent the majority of pathogenic missense changes associated with FBN1-related disorders (PMID: 12938084); This variant is associated with the following publications: (PMID: 12938084)